The following is an entry in ClinVar:

NM_000531.6(OTC):c.629A>C (p.Lys210Thr)

Gene: OTC (ornithine transcarbamylase; plus strand). Cytogenetic location: Xp11.4.
Variant type: single nucleotide variant.
Coding change: c.629A>C on transcript NM_000531.6 (MANE Select); coding-DNA position 629, A replaced by C.
Protein change: p.Lys210Thr; replaces lysine 210 with threonine.
Molecular consequence: missense variant.
Genome position (GRCh38, 1-based): chrX:38,403,706, A>C. VCF-style: chrX-38403706-A-C. GRCh37 (hg19) VCF-style: chrX-38262959-A-C.
Other names: short protein forms K210T.
Identifiers: ClinVar variation 1034539 (VCV001034539.9), dbSNP rs2068502349, ClinGen allele CA412725774.

ClinVar aggregate classification (germline): Likely pathogenic (1 of 4 stars; one submission).

Conditions:
Ornithine carbamoyltransferase deficiency (OTCD). Also called: ORNITHINE TRANSCARBAMYLASE DEFICIENCY; OTC DEFICIENCY; ORNITHINE TRANSCARBAMYLASE DEFICIENCY, HYPERAMMONEMIA DUE TO; Ornithine Carbamoyltransferase Deficiency Disease. Identifiers: Orphanet 664, MedGen C0268542, MONDO:0010703, OMIM 311250.

Submission:

Labcorp Genetics (formerly Invitae), Labcorp
Classification: Likely pathogenic for Ornithine carbamoyltransferase deficiency. Last evaluated: 2022-11-29. Review status: criteria provided, single submitter. Criteria: Invitae Variant Classification Sherloc (09022015). Collection method: clinical testing. Allele origin: germline.
Comment: This sequence change replaces lysine, which is basic and polar, with threonine, which is neutral and polar, at codon 210 of the OTC protein (p.Lys210Thr). This variant is not present in population databases (gnomAD no frequency). This missense change has been observed in individual(s) with ornithine transcarbamylase deficiency (Invitae). ClinVar contains an entry for this variant (Variation ID: 1034539). Advanced modeling of protein sequence and biophysical properties (such as structural, functional, and spatial information, amino acid conservation, physicochemical variation, residue mobility, and thermodynamic stability) performed at Invitae indicates that this missense variant is expected to disrupt OTC protein function. This variant disrupts the p.Lys210 amino acid residue in OTC. Other variant(s) that disrupt this residue have been determined to be pathogenic (PMID: 15174800, 17044854, 23278509). This suggests that this residue is clinically significant, and that variants that disrupt this residue are likely to be disease-causing. In summary, the currently available evidence indicates that the variant is pathogenic, but additional data are needed to prove that conclusively. Therefore, this variant has been classified as Likely Pathogenic.

Literature cited by the submitters: PubMed 15174800; PubMed 17044854; PubMed 23278509.